The following is an entry in ClinVar:

NM_005573.4(LMNB1):c.1220G>A (p.Arg407His)

Gene: LMNB1 (lamin B1; plus strand). Cytogenetic location: 5q23.2.
Variant type: single nucleotide variant.
Coding change: c.1220G>A on transcript NM_005573.4 (MANE Select); coding-DNA position 1220, G replaced by A.
Protein change: p.Arg407His; replaces arginine 407 with histidine.
Molecular consequence: missense variant. On other transcripts: non-coding transcript variant (1).
Genome position (GRCh38, 1-based): chr5:126,820,969, G>A. VCF-style: chr5-126820969-G-A. GRCh37 (hg19) VCF-style: chr5-126156661-G-A.
Other names: c.1220G>A (NM_005573.3); c.590G>A, p.Arg197His (NM_001198557.2); short protein forms R197H, R407H.
Identifiers: ClinVar variation 1525796 (VCV001525796.9), dbSNP rs1222890335, ClinGen allele CA360727272.

ClinVar aggregate classification (germline): Uncertain significance. Review status: criteria provided, multiple submitters, no conflicts (2 of 4 stars). 2 submissions from 2 submitters: Uncertain significance (2). Last evaluated 2025-03-24.

Conditions:
LMNB1-related disorder. Also called: LMNB1-Related Disorders; LMNB1-related condition.

Allele frequency attached by ClinVar (database versions not stated): gnomAD exomes below 0.00001; gnomAD 0.00001; TOPMed 0.00001.
gnomAD v4.1: 7 of 1,613,882 alleles (0.00043%); highest among the groups gnomAD compares: Non-Finnish European, 0.00051%; no homozygotes.

Submissions (2):

PreventionGenetics, part of Exact Sciences
Classification: Uncertain significance for LMNB1-related condition. Last evaluated: 2025-03-24. Review status: criteria provided, single submitter. Criteria: ACMG Guidelines, 2015. Collection method: clinical testing. Allele origin: germline.
Comment: The LMNB1 c.1220G>A variant is predicted to result in the amino acid substitution p.Arg407His. To our knowledge, this variant has not been reported in the literature. This variant is reported in 0.00077% of alleles in individuals of European (Non-Finnish) descent in gnomAD. At this time, the clinical significance of this variant is uncertain due to the absence of conclusive functional and genetic evidence.

Labcorp Genetics (formerly Invitae), Labcorp
Classification: Uncertain significance. Last evaluated: 2022-07-12. Review status: criteria provided, single submitter. Criteria: Invitae Variant Classification Sherloc (09022015). Collection method: clinical testing. Allele origin: germline.
Comment: This sequence change replaces arginine, which is basic and polar, with histidine, which is basic and polar, at codon 407 of the LMNB1 protein (p.Arg407His). In summary, the available evidence is currently insufficient to determine the role of this variant in disease. Therefore, it has been classified as a Variant of Uncertain Significance. Advanced modeling of protein sequence and biophysical properties (such as structural, functional, and spatial information, amino acid conservation, physicochemical variation, residue mobility, and thermodynamic stability) performed at Invitae indicates that this missense variant is not expected to disrupt LMNB1 protein function. ClinVar contains an entry for this variant (Variation ID: 1525796). This missense change has been observed in individual(s) with clinical features of LMNB1-related conditions (Invitae). This variant is present in population databases (no rsID available, gnomAD 0.002%).